The following is an entry in ClinVar:

ClinVar aggregate classification (germline): Uncertain significance (1 of 4 stars; one submission).

gnomAD v4.1: 7 of 1,613,336 alleles (0.00043%); highest among the groups gnomAD compares: South Asian, 0.0033%; no homozygotes.

Submission:

Labcorp Genetics (formerly Invitae), Labcorp
Classification: Uncertain significance. Last evaluated: 2024-09-14. Review status: criteria provided, single submitter. Criteria: Invitae Variant Classification Sherloc (09022015). Collection method: clinical testing. Allele origin: germline.
Comment: This sequence change replaces arginine, which is basic and polar, with cysteine, which is neutral and slightly polar, at codon 1160 of the CHD8 protein (p.Arg1160Cys). This variant is present in population databases (no rsID available, gnomAD 0.0008%). This variant has not been reported in the literature in individuals affected with CHD8-related conditions. Invitae Evidence Modeling of protein sequence and biophysical properties (such as structural, functional, and spatial information, amino acid conservation, physicochemical variation, residue mobility, and thermodynamic stability) indicates that this missense variant is expected to disrupt CHD8 protein function with a positive predictive value of 80%. In summary, the available evidence is currently insufficient to determine the role of this variant in disease. Therefore, it has been classified as a Variant of Uncertain Significance.

NM_001170629.2(CHD8):c.3478C>T (p.Arg1160Cys)

Gene: CHD8 (chromodomain helicase DNA binding protein 8; minus strand). Cytogenetic location: 14q11.2.
Variant type: single nucleotide variant.
Coding change: c.3478C>T on transcript NM_001170629.2 (MANE Select); coding-DNA position 3478, C replaced by T.
Protein change: p.Arg1160Cys; replaces arginine 1160 with cysteine.
Molecular consequence: missense variant.
Genome position (GRCh38, 1-based): chr14:21,403,493, G>A on the plus strand (C>T on the coding strand, the complement: CHD8 is on the minus strand). VCF-style: chr14-21403493-G-A. GRCh37 (hg19) VCF-style: chr14-21871652-G-A.
Other names: c.2641C>T, p.Arg881Cys (NM_020920.4); short protein forms R881C, R1160C.
Identifiers: ClinVar variation 3631287 (VCV003631287.2).
Genomic context (GRCh38, chr14:21,403,493, plus strand): 5'-TAGGATGACTCTTTTCTTACCTCCTCTGGATTAAATAATCCTCTAGGATGTCTAGGCAGC[G>A]CACCATCTGAGAGAAGATCAGAACTTTATGGCCACCAGCTTTAAGCTTTGGAAGCAACTT-3'
Protein context (NP_001164100.1, residues 1150-1170): HKVLIFSQMV[Arg1160Cys]CLDILEDYLI